The following is an entry in ClinVar:

NM_006269.2(RP1):c.5525G>C (p.Cys1842Ser)

Genes: RP1 (RP1 axonemal microtubule associated; plus strand), LOC126860392 (CDK7 strongly-dependent group 2 enhancer GRCh37_chr8:55541319-55542518; plus strand). Cytogenetic location: 8q12.1.
Variant type: single nucleotide variant.
Coding change: c.5525G>C on transcript NM_006269.2 (MANE Select); coding-DNA position 5525, G replaced by C.
Protein change: p.Cys1842Ser; replaces cysteine 1842 with serine.
Molecular consequence: missense variant. On other transcripts: intron variant (1).
Genome position (GRCh38, 1-based): chr8:54,629,407, G>C. VCF-style: chr8-54629407-G-C. GRCh37 (hg19) VCF-style: chr8-55541967-G-C.
Other names: c.5525G>C (NM_006269.1); c.787+7119G>C (NM_001375654.1); short protein forms C1842S.
Identifiers: ClinVar variation 1953697 (VCV001953697.7), dbSNP rs2536589963, ClinGen allele CA370986966.
Genomic context (GRCh38, chr8:54,629,407, plus strand): 5'-CTCATGGTAGTGACTCAGAACCTTTTCATGAGGACTTGCTGGATGTTCGCAATGAAACCT[G>C]TGCCAAGGAAAGAATAGCAAATCATCATACAGAGGAGAAGGGTAGTCATCAGTCAGAAAG-3'
Protein context (NP_006260.1, residues 1832-1852): EDLLDVRNET[Cys1842Ser]AKERIANHHT

ClinVar aggregate classification (germline): Uncertain significance. Review status: criteria provided, multiple submitters, no conflicts (2 of 4 stars). 2 submissions from 2 submitters: Uncertain significance (2). Last evaluated 2025-03-04.

Conditions:
Inborn genetic diseases. Identifiers: MedGen C0950123, MeSH D030342.

Allele frequency attached by ClinVar (database versions not stated): gnomAD exomes below 0.00001.
gnomAD v4.1: 2 of 1,614,096 alleles (0.00012%); highest among the groups gnomAD compares: South Asian, 0.0011%; no homozygotes.

Submissions (2):

Labcorp Genetics (formerly Invitae), Labcorp
Classification: Uncertain significance. Last evaluated: 2025-03-04. Review status: criteria provided, single submitter. Criteria: Invitae Variant Classification Sherloc (09022015). Collection method: clinical testing. Allele origin: germline.
Comment: This sequence change replaces cysteine, which is neutral and slightly polar, with serine, which is neutral and polar, at codon 1842 of the RP1 protein (p.Cys1842Ser). This variant is not present in population databases (gnomAD no frequency). This variant has not been reported in the literature in individuals affected with RP1-related conditions. ClinVar contains an entry for this variant (Variation ID: 1953697). An algorithm developed to predict the effect of missense changes on protein structure and function outputs the following: PolyPhen-2: "Benign". The serine amino acid residue is found in multiple mammalian species, which suggests that this missense change does not adversely affect protein function. In summary, the available evidence is currently insufficient to determine the role of this variant in disease. Therefore, it has been classified as a Variant of Uncertain Significance.

Ambry Genetics
Classification: Uncertain significance for Inborn genetic diseases. Last evaluated: 2023-04-18. Review status: criteria provided, single submitter. Criteria: Ambry Variant Classification Scheme 2023. Collection method: clinical testing. Allele origin: germline.